The following is an entry in ClinVar:

ClinVar aggregate classification (germline): Uncertain significance (1 of 4 stars; one submission).

Conditions:
Hereditary cancer-predisposing syndrome. Also called: Neoplastic Syndromes, Hereditary; Tumor predisposition; Hereditary neoplastic syndrome; Hereditary Cancer Syndrome. Identifiers: Orphanet 140162, MedGen C0027672, MeSH D009386, MONDO:0015356.

Submission:

Ambry Genetics
Classification: Uncertain significance for Hereditary cancer-predisposing syndrome. Last evaluated: 2024-05-28. Review status: criteria provided, single submitter. Criteria: Ambry Variant Classification Scheme 2023. Collection method: clinical testing. Allele origin: germline.
Comment: The c.-1C>T variant is located in the 5' untranslated region (5&rsquo; UTR) of the PTCH1 gene. This variant results from a C to T substitution 1 bases upstream from the first translated codon. This nucleotide position is highly conserved in available vertebrate species. Based on the available evidence, the clinical significance of this variant remains unclear.

NM_000264.5(PTCH1):c.-1C>T

Genes: PTCH1 (patched 1; minus strand), LOC130002133 (ATAC-STARR-seq lymphoblastoid silent region 20071; plus strand). Cytogenetic location: 9q22.32.
Variant type: single nucleotide variant.
Coding change: c.-1C>T on transcript NM_000264.5 (MANE Select); 1 bases upstream of the start codon, C replaced by T.
Molecular consequence: 5 prime UTR variant. On other transcripts: non-coding transcript variant (1), intron variant (3).
Genome position (GRCh38, 1-based): chr9:95,508,362, G>A on the plus strand (C>T on the coding strand, the complement: PTCH1 is on the minus strand). VCF-style: chr9-95508362-G-A. GRCh37 (hg19) VCF-style: chr9-98270644-G-A.
Other names: c.-1C>T (NM_001354918.2); c.199-1763C>T (NM_001083603.3); c.4-1763C>T (NM_001083602.3, NM_001354919.2).
Identifiers: ClinVar variation 3311103 (VCV003311103.1).